The following is an entry in ClinVar:

NM_018297.4(NGLY1):c.1342A>C (p.Lys448Gln)

Gene: NGLY1 (N-glycanase 1; minus strand). Cytogenetic location: 3p24.2.
Variant type: single nucleotide variant.
Coding change: c.1342A>C on transcript NM_018297.4 (MANE Select); coding-DNA position 1342, A replaced by C.
Protein change: p.Lys448Gln; replaces lysine 448 with glutamine.
Molecular consequence: missense variant.
Genome position (GRCh38, 1-based): chr3:25,732,402, T>G on the plus strand (A>C on the coding strand, the complement: NGLY1 is on the minus strand). VCF-style: chr3-25732402-T-G. GRCh37 (hg19) VCF-style: chr3-25773893-T-G.
Other names: c.1288A>C, p.Lys430Gln (NM_001145293.2); c.1216A>C, p.Lys406Gln (NM_001145294.2); c.1342A>C, p.Lys448Gln (NM_001145295.2); c.1342A>C (NM_018297.3); short protein forms K430Q, K406Q, K448Q.
Identifiers: ClinVar variation 1447647 (VCV001447647.5), dbSNP rs770653213, ClinGen allele CA2289185.

ClinVar aggregate classification (germline): Uncertain significance. Review status: criteria provided, multiple submitters, no conflicts (2 of 4 stars). 2 submissions from 2 submitters: Uncertain significance (2). Last evaluated 2025-08-21.

Conditions:
Congenital disorder of deglycosylation (CDDG). Identifiers: MedGen C3808991, MONDO:0031376.

Allele frequency attached by ClinVar (database versions not stated): gnomAD exomes 0.00001; TOPMed 0.00001; ExAC 0.00002; gnomAD 0.00002.
gnomAD v4.1: 13 of 1,613,666 alleles (0.00081%); highest among the groups gnomAD compares: African/African-American, 0.0013%; no homozygotes.

Submissions (2):

Labcorp Genetics (formerly Invitae), Labcorp
Classification: Uncertain significance for Congenital disorder of deglycosylation. Last evaluated: 2025-08-21. Review status: criteria provided, single submitter. Criteria: Invitae Variant Classification Sherloc (09022015). Collection method: clinical testing. Allele origin: germline.
Comment: This sequence change replaces lysine, which is basic and polar, with glutamine, which is neutral and polar, at codon 448 of the NGLY1 protein (p.Lys448Gln). This variant is present in population databases (rs770653213, gnomAD 0.005%). This variant has not been reported in the literature in individuals affected with NGLY1-related conditions. ClinVar contains an entry for this variant (Variation ID: 1447647). Invitae Evidence Modeling of protein sequence and biophysical properties (such as structural, functional, and spatial information, amino acid conservation, physicochemical variation, residue mobility, and thermodynamic stability) indicates that this missense variant is not expected to disrupt NGLY1 protein function with a negative predictive value of 80%. In summary, the available evidence is currently insufficient to determine the role of this variant in disease. Therefore, it has been classified as a Variant of Uncertain Significance.

GeneDx
Classification: Uncertain significance. Last evaluated: 2024-10-10. Review status: criteria provided, single submitter. Criteria: GeneDx Variant Classification Process June 2021. Collection method: clinical testing. Allele origin: germline. Affected: yes.
Comment: Not observed at significant frequency in large population cohorts (gnomAD); In silico analysis supports that this missense variant has a deleterious effect on protein structure/function; Has not been previously published as pathogenic or benign to our knowledge